The following is an entry in ClinVar:

ClinVar aggregate classification (germline): Uncertain significance (1 of 4 stars; one submission).

Allele frequency attached by ClinVar (database versions not stated): gnomAD 0.00001 and 0.00002; gnomAD exomes 0.00001 and 0.00002; ExAC 0.00004; 1000 Genomes Project 30x 0.00016; 1000 Genomes Project 0.00020.
gnomAD v4.1: 18 of 1,613,636 alleles (0.0011%); highest among the groups gnomAD compares: African/African-American, 0.0027%; no homozygotes.

Submission:

Labcorp Genetics (formerly Invitae), Labcorp
Classification: Uncertain significance. Last evaluated: 2025-10-01. Review status: criteria provided, single submitter. Criteria: Invitae Variant Classification Sherloc (09022015). Collection method: clinical testing. Allele origin: germline.
Comment: This sequence change falls in intron 17 of the ADAMTS10 gene. It does not directly change the encoded amino acid sequence of the ADAMTS10 protein. It affects a nucleotide within the consensus splice site. This variant is present in population databases (rs557808737, gnomAD 0.007%). This variant has not been reported in the literature in individuals affected with ADAMTS10-related conditions. ClinVar contains an entry for this variant (Variation ID: 1464146). Variants that disrupt the consensus splice site are a relatively common cause of aberrant splicing (PMID: 17576681, 9536098). Algorithms developed to predict the effect of sequence changes on RNA splicing suggest that this variant is not likely to affect RNA splicing. In summary, the available evidence is currently insufficient to determine the role of this variant in disease. Therefore, it has been classified as a Variant of Uncertain Significance.

Literature cited by the submitters: PubMed 17576681; PubMed 9536098.

NM_030957.4(ADAMTS10):c.2034+6G>A

Gene: ADAMTS10 (ADAM metallopeptidase with thrombospondin type 1 motif 10; minus strand). Cytogenetic location: 19p13.2.
Variant type: single nucleotide variant.
Coding change: c.2034+6G>A on transcript NM_030957.4 (MANE Select); 6 bases into the intron after coding-DNA position 2034, G replaced by A.
Molecular consequence: intron variant.
Genome position (GRCh38, 1-based): chr19:8,589,446, C>T on the plus strand (G>A on the coding strand, the complement: ADAMTS10 is on the minus strand). VCF-style: chr19-8589446-C-T. GRCh37 (hg19) VCF-style: chr19-8654330-C-T.
Other names: c.495+6G>A (NM_001282352.2).
Identifiers: ClinVar variation 1464146 (VCV001464146.6), dbSNP rs557808737, ClinGen allele CA9160273.